The following is an entry in ClinVar:

ClinVar aggregate classification (germline): Conflicting classifications of pathogenicity. Review status: criteria provided, conflicting classifications (1 of 4 stars). 7 submissions from 7 submitters: Uncertain significance (2); Likely benign (5). Last evaluated 2026-01-22.

Conditions:
Hereditary spastic paraplegia 11. Also called: Spastic paraplegia, mental retardation and thin corpus callosum; Spastic Paraplegia 11; Nakamura Osame syndrome; Autosomal recessive hereditary spastic paraplegia, mental impairment, and thin corpus callosum; SPASTIC PARAPLEGIA, AUTOSOMAL RECESSIVE, COMPLICATED, WITH THIN CORPUS CALLOSUM; SPASTIC PARAPLEGIA, AUTOSOMAL RECESSIVE, WITH MENTAL IMPAIRMENT AND THIN CORPUS CALLOSUM. Identifiers: Orphanet 2822, MedGen C1858479, MONDO:0011445, OMIM 604360.
Inborn genetic diseases. Identifiers: MedGen C0950123, MeSH D030342.
SPG11-related disorder. Also called: SPG11-related condition.

Allele frequency attached by ClinVar (database versions not stated): gnomAD exomes 0.00014 and 0.00037; ExAC 0.00042; 1000 Genomes Project 0.00100; 1000 Genomes Project 30x 0.00125; ESP Exome Variant Server 0.00131; gnomAD 0.00151 and 0.00165; TOPMed 0.00155.
gnomAD v4.1: 452 of 1,614,126 alleles (0.028%); highest among the groups gnomAD compares: African/African-American, 0.53%; no homozygotes.

Submissions (7):

Labcorp Genetics (formerly Invitae), Labcorp
Classification: Likely benign for Hereditary spastic paraplegia 11. Last evaluated: 2026-01-22. Review status: criteria provided, single submitter. Criteria: Invitae Variant Classification Sherloc (09022015). Collection method: clinical testing. Allele origin: germline.

PreventionGenetics, part of Exact Sciences
Classification: Likely benign for SPG11-related condition. Last evaluated: 2025-03-11. Review status: criteria provided, single submitter. Criteria: ACMG Guidelines, 2015. Collection method: clinical testing. Allele origin: germline.
Comment: This variant is classified as likely benign based on ACMG/AMP sequence variant interpretation guidelines (Richards et al. 2015 PMID: 25741868, with internal and published modifications).

Mayo Clinic Laboratories, Mayo Clinic
Classification: Likely benign. Last evaluated: 2024-10-11. Review status: criteria provided, single submitter. Criteria: ACMG Guidelines, 2015. Collection method: clinical testing. Allele origin: germline. Observed: 4 variant alleles.
Comment: BS1, BP4

GeneDx
Classification: Likely benign. Last evaluated: 2020-12-14. Review status: criteria provided, single submitter. Criteria: GeneDx Variant Classification Process June 2021. Collection method: clinical testing. Allele origin: germline. Affected: yes.

Ambry Genetics
Classification: Likely benign for Inborn genetic diseases. Last evaluated: 2019-10-30. Review status: criteria provided, single submitter. Criteria: Ambry Variant Classification Scheme 2023. Collection method: clinical testing. Allele origin: germline.

CeGaT Center for Human Genetics Tuebingen
Classification: Uncertain significance. Last evaluated: 2017-03-01. Review status: criteria provided, single submitter. Criteria: CeGaT Center For Human Genetics Tuebingen Variant Classification Criteria Version 2. Collection method: clinical testing. Allele origin: germline. Affected: yes. Observed: 1 variant allele.

Athena Diagnostics
Classification: Uncertain significance. Last evaluated: 2016-12-15. Review status: criteria provided, single submitter. Criteria: Athena Diagnostics Criteria. Collection method: clinical testing. Allele origin: germline.

NM_025137.4(SPG11):c.3436A>G (p.Ile1146Val)

Gene: SPG11 (SPG11 vesicle trafficking associated, spatacsin; minus strand). Cytogenetic location: 15q21.1.
Variant type: single nucleotide variant.
Coding change: c.3436A>G on transcript NM_025137.4 (MANE Select); coding-DNA position 3436, A replaced by G.
Protein change: p.Ile1146Val; replaces isoleucine 1146 with valine.
Molecular consequence: missense variant.
Genome position (GRCh38, 1-based): chr15:44,608,461, T>C on the plus strand (A>G on the coding strand, the complement: SPG11 is on the minus strand). VCF-style: chr15-44608461-T-C. GRCh37 (hg19) VCF-style: chr15-44900659-T-C.
Other names: c.3436A>G, p.Ile1146Val (NM_001160227.2); short protein forms I1146V.
Identifiers: ClinVar variation 448466 (VCV000448466.65), dbSNP rs114945876, ClinGen allele CA7534984.
Genomic context (GRCh38, chr15:44,608,461, plus strand): 5'-TGAACTCTGATAGACCTAAATATTGGCCACCTAAATACTGTACCTGAATAAGGTGGTAGA[T>C]TGTAATATCAGATGGCAGGACACTAGGAGGAGTGCACTGTGGGAAGAGAGCAGTTTTTAG-3'
Protein context (NP_079413.3, residues 1136-1156): PPSVLPSDIT[Ile1146Val]YHLIQSLSPF